The following is an entry in ClinVar:

ClinVar aggregate classification (germline): Uncertain significance (1 of 4 stars; one submission).

Allele frequency attached by ClinVar (database versions not stated): gnomAD exomes below 0.00001.
gnomAD v4.1: 1 of 1,527,768 alleles (0.000065%); highest among the groups gnomAD compares: East Asian, 0.0025%; no homozygotes.

Submission:

Labcorp Genetics (formerly Invitae), Labcorp
Classification: Uncertain significance. Last evaluated: 2022-05-26. Review status: criteria provided, single submitter. Criteria: Invitae Variant Classification Sherloc (09022015). Collection method: clinical testing. Allele origin: germline.
Comment: This sequence change replaces aspartic acid, which is acidic and polar, with valine, which is neutral and non-polar, at codon 1068 of the EYS protein (p.Asp1068Val). This variant is not present in population databases (gnomAD no frequency). This variant has not been reported in the literature in individuals affected with EYS-related conditions. Algorithms developed to predict the effect of missense changes on protein structure and function output the following: SIFT: "Tolerated"; PolyPhen-2: "Benign"; Align-GVGD: "Class C0". The valine amino acid residue is found in multiple mammalian species, which suggests that this missense change does not adversely affect protein function. Algorithms developed to predict the effect of sequence changes on RNA splicing suggest that this variant may create or strengthen a splice site. In summary, the available evidence is currently insufficient to determine the role of this variant in disease. Therefore, it has been classified as a Variant of Uncertain Significance.

NM_001142800.2(EYS):c.3203A>T (p.Asp1068Val)

Gene: EYS (eyes shut homolog; minus strand). Cytogenetic location: 6q12.
Variant type: single nucleotide variant.
Coding change: c.3203A>T on transcript NM_001142800.2 (MANE Select); coding-DNA position 3203, A replaced by T.
Protein change: p.Asp1068Val; replaces aspartic acid 1068 with valine.
Molecular consequence: missense variant.
Genome position (GRCh38, 1-based): chr6:64,821,685, T>A on the plus strand (A>T on the coding strand, the complement: EYS is on the minus strand). VCF-style: chr6-64821685-T-A. GRCh37 (hg19) VCF-style: chr6-65531578-T-A.
Other names: c.3203A>T, p.Asp1068Val (NM_001292009.2); short protein forms D1068V.
Identifiers: ClinVar variation 2091985 (VCV002091985.1), dbSNP rs2533165929, ClinGen allele CA364787220.